The following is an entry in ClinVar:

NM_000369.5(TSHR):c.1979A>G (p.Lys660Arg)

Genes: TSHR (thyroid stimulating hormone receptor; plus strand), TSHR-AS1 (TSHR antisense RNA 1; minus strand). Cytogenetic location: 14q31.1.
Variant type: single nucleotide variant.
Coding change: c.1979A>G on transcript NM_000369.5 (MANE Select); coding-DNA position 1979, A replaced by G.
Protein change: p.Lys660Arg; replaces lysine 660 with arginine.
Molecular consequence: missense variant.
Genome position (GRCh38, 1-based): chr14:81,144,037, A>G. VCF-style: chr14-81144037-A-G. GRCh37 (hg19) VCF-style: chr14-81610381-A-G.
Other names: short protein forms K660R.
Identifiers: ClinVar variation 3896474 (VCV003896474.2).

ClinVar aggregate classification (germline): Uncertain significance (1 of 4 stars; one submission).

Submission:

Women's Health and Genetics/Laboratory Corporation of America, LabCorp
Classification: Uncertain significance. Last evaluated: 2025-04-04. Review status: criteria provided, single submitter. Criteria: LabCorp Variant Classification Summary - May 2015. Collection method: clinical testing. Allele origin: germline.
Comment: Variant summary: TSHR c.1979A>G (p.Lys660Arg) results in a conservative amino acid change in the encoded protein sequence. Four of five in-silico tools predict a damaging effect of the variant on protein function. The variant was absent in 251474 control chromosomes. The available data on variant occurrences in the general population are insufficient to allow any conclusion about variant significance. c.1979A>G has been reported in the literature in individuals undergoing clinical genome testing for an unspecified condition (example, Stranneheim_2021). These report(s) do not provide unequivocal conclusions about association of the variant with TSHR-related conditions. To our knowledge, no experimental evidence demonstrating an impact on protein function has been reported. The following publication has been ascertained in the context of this evaluation (PMID: 33726816). No submitters have cited clinical-significance assessments for this variant to ClinVar. Based on the evidence outlined above, the variant was classified as uncertain significance.

Literature cited by the submitters: PubMed 33726816.